The following is an entry in ClinVar:

NM_000478.6(ALPL):c.803T>G (p.Phe268Cys)

Gene: ALPL (alkaline phosphatase, biomineralization associated; plus strand). Cytogenetic location: 1p36.12.
Variant type: single nucleotide variant.
Coding change: c.803T>G on transcript NM_000478.6 (MANE Select); coding-DNA position 803, T replaced by G.
Protein change: p.Phe268Cys; replaces phenylalanine 268 with cysteine.
Molecular consequence: missense variant.
Genome position (GRCh38, 1-based): chr1:21,570,315, T>G. VCF-style: chr1-21570315-T-G. GRCh37 (hg19) VCF-style: chr1-21896808-T-G.
Other names: c.638T>G, p.Phe213Cys (NM_001127501.4); c.572T>G, p.Phe191Cys (NM_001177520.3); c.803T>G, p.Phe268Cys (NM_001369803.2, NM_001369804.2, NM_001369805.2); short protein forms F191C, F213C, F268C.
Identifiers: ClinVar variation 1703422 (VCV001703422.2), dbSNP rs2545324364, ClinGen allele CA338879883.

ClinVar aggregate classification (germline): Uncertain significance (1 of 4 stars; one submission).

Submission:

GeneDx
Classification: Uncertain significance. Last evaluated: 2022-02-24. Review status: criteria provided, single submitter. Criteria: GeneDx Variant Classification Process June 2021. Collection method: clinical testing. Allele origin: germline. Affected: yes.
Comment: Not observed at significant frequency in large population cohorts (gnomAD); In silico analysis supports that this missense variant has a deleterious effect on protein structure/function; Has not been previously published as pathogenic or benign to our knowledge